The following is an entry in ClinVar:

NM_001365088.1(SLC12A6):c.1036C>G (p.Leu346Val)

Gene: SLC12A6 (solute carrier family 12 member 6; minus strand). Cytogenetic location: 15q14.
Variant type: single nucleotide variant.
Coding change: c.1036C>G on transcript NM_001365088.1 (MANE Select); coding-DNA position 1036, C replaced by G.
Protein change: p.Leu346Val; replaces leucine 346 with valine.
Molecular consequence: missense variant.
Genome position (GRCh38, 1-based): chr15:34,254,430, G>C on the plus strand (C>G on the coding strand, the complement: SLC12A6 is on the minus strand). VCF-style: chr15-34254430-G-C. GRCh37 (hg19) VCF-style: chr15-34546631-G-C.
Other names: c.859C>G, p.Leu287Val (NM_001042494.2, NM_001042495.2); c.1009C>G, p.Leu337Val (NM_001042496.2); c.991C>G, p.Leu331Val (NM_001042497.2); c.883C>G, p.Leu295Val (NM_005135.2); c.1036C>G, p.Leu346Val (NM_133647.2); c.1036C>G (NM_133647.1); short protein forms L331V, L346V, L295V, L337V, L287V.
Identifiers: ClinVar variation 1468491 (VCV001468491.4), dbSNP rs1374588070, ClinGen allele CA391608918.

ClinVar aggregate classification (germline): Uncertain significance. Review status: criteria provided, multiple submitters, no conflicts (2 of 4 stars). 2 submissions from 2 submitters: Uncertain significance (2). Last evaluated 2025-02-10.

Conditions:
Inborn genetic diseases. Identifiers: MedGen C0950123, MeSH D030342.

Allele frequency attached by ClinVar (database versions not stated): gnomAD exomes below 0.00001; gnomAD 0.00001; TOPMed 0.00001.
gnomAD v4.1: 2 of 1,613,644 alleles (0.00012%); highest among the groups gnomAD compares: Non-Finnish European, 0.00017%; no homozygotes.

Submissions (2):

Ambry Genetics
Classification: Uncertain significance for Inborn genetic diseases. Last evaluated: 2025-02-10. Review status: criteria provided, single submitter. Criteria: Ambry Variant Classification Scheme 2023. Collection method: clinical testing. Allele origin: germline.
Comment: The p.L346V variant (also known as c.1036C>G), located in coding exon 8 of the SLC12A6 gene, results from a C to G substitution at nucleotide position 1036. The leucine at codon 346 is replaced by valine, an amino acid with highly similar properties. This amino acid position is conserved. In addition, the in silico prediction for this alteration is inconclusive. Based on the available evidence, the clinical significance of this variant remains unclear.

Labcorp Genetics (formerly Invitae), Labcorp
Classification: Uncertain significance. Last evaluated: 2022-03-03. Review status: criteria provided, single submitter. Criteria: Invitae Variant Classification Sherloc (09022015). Collection method: clinical testing. Allele origin: germline.
Comment: This sequence change replaces leucine, which is neutral and non-polar, with valine, which is neutral and non-polar, at codon 346 of the SLC12A6 protein (p.Leu346Val). This variant is not present in population databases (gnomAD no frequency). This variant has not been reported in the literature in individuals affected with SLC12A6-related conditions. Advanced modeling of protein sequence and biophysical properties (such as structural, functional, and spatial information, amino acid conservation, physicochemical variation, residue mobility, and thermodynamic stability) performed at Invitae indicates that this missense variant is not expected to disrupt SLC12A6 protein function. In summary, the available evidence is currently insufficient to determine the role of this variant in disease. Therefore, it has been classified as a Variant of Uncertain Significance.